The following is an entry in ClinVar:

NM_130385.4(IRAG1):c.193G>C (p.Glu65Gln)

Gene: IRAG1 (inositol 1,4,5-triphosphate receptor associated 1; minus strand). Cytogenetic location: 11p15.4.
Variant type: single nucleotide variant.
Coding change: c.193G>C on transcript NM_130385.4 (MANE Select); coding-DNA position 193, G replaced by C.
Protein change: p.Glu65Gln; replaces glutamic acid 65 with glutamine.
Molecular consequence: missense variant. On other transcripts: 5 prime UTR variant (1), intron variant (2).
Genome position (GRCh38, 1-based): chr11:10,652,057, C>G on the plus strand (G>C on the coding strand, the complement: IRAG1 is on the minus strand). VCF-style: chr11-10652057-C-G. GRCh37 (hg19) VCF-style: chr11-10673604-C-G.
Other names: c.166G>C, p.Glu56Gln (NM_001098579.3); c.-652G>C (NM_001100167.3); c.193G>C, p.Glu65Gln (NM_001206880.2); c.184G>C, p.Glu62Gln (NM_006069.2); c.-667-17986G>C (NM_001206881.2); c.-48-17986G>C (NM_001100163.3); c.193G>C (NM_130385.3); short protein forms E56Q, E62Q, E65Q.
Identifiers: ClinVar variation 2641600 (VCV002641600.24), dbSNP rs35135063, ClinGen allele CA5884652.

ClinVar aggregate classification (germline): Conflicting classifications of pathogenicity. Review status: criteria provided, conflicting classifications (1 of 4 stars). 2 submissions from 2 submitters: Uncertain significance (1); Likely benign (1). Last evaluated 2025-11-03.

Allele frequency attached by ClinVar (database versions not stated): 1000 Genomes Project 0.00040; 1000 Genomes Project 30x 0.00047; TOPMed 0.00142; gnomAD 0.00163; ESP Exome Variant Server 0.00173; gnomAD exomes 0.00245; ExAC 0.00558.
gnomAD v4.1: 3,727 of 1,589,840 alleles (0.23%); highest among the groups gnomAD compares: Non-Finnish European, 0.29%; 6 homozygotes.

Submissions (2):

Ambry Genetics
Classification: Uncertain significance. Last evaluated: 2025-11-03. Review status: criteria provided, single submitter. Criteria: Ambry Variant Classification Scheme 2023. Collection method: clinical testing. Allele origin: germline.

CeGaT Center for Human Genetics Tuebingen
Classification: Likely benign. Last evaluated: 2022-08-01. Review status: criteria provided, single submitter. Criteria: CeGaT Center For Human Genetics Tuebingen Variant Classification Criteria Version 2. Collection method: clinical testing. Allele origin: germline. Affected: yes. Observed: 1 variant allele.
Comment: IRAG1: BP4